The following is an entry in ClinVar:

ClinVar aggregate classification (germline): Conflicting classifications of pathogenicity. Review status: criteria provided, conflicting classifications (1 of 4 stars). 4 submissions from 4 submitters: Uncertain significance (1); Benign (1); Likely benign (1). 1 of the submissions does not count toward it. Last evaluated 2024-04-02.

Conditions:
RIPK4-related disorder. Also called: RIPK4-related condition.
Bartsocas-Papas syndrome 1. Also called: MULTIPLE PTERYGIUM SYNDROME, ASLAN TYPE; Bartsocas-Papas syndrome; PTERYGIUM, POPLITEAL, LETHAL TYPE. Identifiers: Orphanet 1234, MedGen C1849718, MONDO:0009901, OMIM 263650.

Allele frequency attached by ClinVar (database versions not stated): gnomAD 0.00004 and 0.00006; TOPMed 0.00014; 1000 Genomes Project 30x 0.00016; gnomAD exomes 0.00018; 1000 Genomes Project 0.00020; ExAC 0.00022.

Submissions (4):

Blueprint Genetics
Classification: Likely benign. Last evaluated: 2024-04-02. Review status: criteria provided, single submitter. Criteria: ACMG Guidelines, 2015. Collection method: clinical testing. Allele origin: germline.

Labcorp Genetics (formerly Invitae), Labcorp
Classification: Benign. Last evaluated: 2018-10-03. Review status: criteria provided, single submitter. Criteria: Invitae Variant Classification Sherloc (09022015). Collection method: clinical testing. Allele origin: germline.

Illumina Laboratory Services, Illumina
Classification: Uncertain significance for Bartsocas-Papas syndrome 1. Last evaluated: 2018-01-13. Review status: criteria provided, single submitter. Criteria: ICSL Variant Classification Criteria 13 December 2019. Collection method: clinical testing. Allele origin: germline.

PreventionGenetics, part of Exact Sciences
Classification: Likely benign for RIPK4-related condition. Last evaluated: 2022-05-16. Review status: no assertion criteria provided. Collection method: clinical testing. Allele origin: germline. Not counted in ClinVar's aggregate classification.
Comment: This variant is classified as likely benign based on ACMG/AMP sequence variant interpretation guidelines (Richards et al. 2015 PMID: 25741868, with internal and published modifications).

NM_020639.3(RIPK4):c.1137C>T (p.Ser379=)

Gene: RIPK4 (receptor interacting serine/threonine kinase 4; minus strand). Cytogenetic location: 21q22.3.
Variant type: single nucleotide variant.
Coding change: c.1137C>T on transcript NM_020639.3 (MANE Select); coding-DNA position 1137, C replaced by T.
Protein change: p.Ser379=; no amino-acid change (serine 379 retained).
Molecular consequence: synonymous variant.
Genome position (GRCh38, 1-based): chr21:41,743,940, G>A on the plus strand (C>T on the coding strand, the complement: RIPK4 is on the minus strand). VCF-style: chr21-41743940-G-A. GRCh37 (hg19) VCF-style: chr21-43164100-G-A.
Identifiers: ClinVar variation 746355 (VCV000746355.10), dbSNP rs200420912, ClinGen allele CA10035394.